The following is an entry in ClinVar:

NM_005862.3(STAG1):c.132+3A>G

Gene: STAG1 (STAG1 cohesin complex component; minus strand). Cytogenetic location: 3q22.3.
Variant type: single nucleotide variant.
Coding change: c.132+3A>G on transcript NM_005862.3 (MANE Select); 3 bases into the intron after coding-DNA position 132, A replaced by G.
Molecular consequence: intron variant.
Genome position (GRCh38, 1-based): chr3:136,623,143, T>C on the plus strand (A>G on the coding strand, the complement: STAG1 is on the minus strand). VCF-style: chr3-136623143-T-C. GRCh37 (hg19) VCF-style: chr3-136341985-T-C.
Identifiers: ClinVar variation 3363498 (VCV003363498.1).

ClinVar aggregate classification (germline): Uncertain significance (1 of 4 stars; one submission).

Submission:

GeneDx
Classification: Uncertain significance. Last evaluated: 2023-10-26. Review status: criteria provided, single submitter. Criteria: GeneDx Variant Classification Process June 2021. Collection method: clinical testing. Allele origin: germline. Affected: yes.
Comment: Not observed at significant frequency in large population cohorts (gnomAD); In silico analysis supports that this variant does not alter splicing; Has not been previously published as pathogenic or benign to our knowledge